The following is an entry in ClinVar:

ClinVar aggregate classification (germline): Uncertain significance. Review status: criteria provided, single submitter (1 of 4 stars). 2 submissions from 2 submitters: Uncertain significance (1). 1 of the submissions does not count toward it. Last evaluated 2023-10-17.

Allele frequency attached by ClinVar (database versions not stated): gnomAD exomes below 0.00001.
gnomAD v4.1: 8 of 1,611,498 alleles (0.0005%); highest among the groups gnomAD compares: Admixed American, 0.0017%; no homozygotes.

Submissions (2):

Labcorp Genetics (formerly Invitae), Labcorp
Classification: Uncertain significance. Last evaluated: 2023-10-17. Review status: criteria provided, single submitter. Criteria: Invitae Variant Classification Sherloc (09022015). Collection method: clinical testing. Allele origin: germline.
Comment: This sequence change replaces arginine, which is basic and polar, with histidine, which is basic and polar, at codon 1432 of the RTTN protein (p.Arg1432His). The frequency data for this variant in the population databases is considered unreliable, as metrics indicate poor data quality at this position in the gnomAD database. This variant has not been reported in the literature in individuals affected with RTTN-related conditions. ClinVar contains an entry for this variant (Variation ID: 545042). Advanced modeling of protein sequence and biophysical properties (such as structural, functional, and spatial information, amino acid conservation, physicochemical variation, residue mobility, and thermodynamic stability) performed at Invitae indicates that this missense variant is expected to disrupt RTTN protein function. In summary, the available evidence is currently insufficient to determine the role of this variant in disease. Therefore, it has been classified as a Variant of Uncertain Significance.

Laboratory of Molecular Genetics (Pr. Bezieau's lab), CHU de Nantes
Classification: Likely pathogenic. Last evaluated: 2016-10-05. Review status: no assertion criteria provided. Collection method: clinical testing. Allele origin: germline. Affected: yes. Not counted in ClinVar's aggregate classification.

NM_173630.4(RTTN):c.4295G>A (p.Arg1432His)

Gene: RTTN (rotatin; minus strand). Cytogenetic location: 18q22.2.
Variant type: single nucleotide variant.
Coding change: c.4295G>A on transcript NM_173630.4 (MANE Select); coding-DNA position 4295, G replaced by A.
Protein change: p.Arg1432His; replaces arginine 1432 with histidine.
Molecular consequence: missense variant.
Genome position (GRCh38, 1-based): chr18:70,087,996, C>T on the plus strand (G>A on the coding strand, the complement: RTTN is on the minus strand). VCF-style: chr18-70087996-C-T. GRCh37 (hg19) VCF-style: chr18-67755232-C-T.
Other names: c.1559G>A, p.Arg520His (NM_001318520.2); short protein forms R1432H, R520H.
Identifiers: ClinVar variation 545042 (VCV000545042.4), dbSNP rs1465962355, ClinGen allele CA402684394.